The following is an entry in ClinVar:

NM_001211.6(BUB1B):c.1492_1493delinsTA (p.Val498Tyr)

Gene: BUB1B (BUB1 mitotic checkpoint serine/threonine kinase B; plus strand). Cytogenetic location: 15q15.1.
Variant type: Indel.
Coding change: c.1492_1493delinsTA on transcript NM_001211.6 (MANE Select); coding-DNA positions 1492 to 1493, GT replaced by TA.
Protein change: p.Val498Tyr; replaces valine 498 with tyrosine.
Molecular consequence: missense variant.
Genome position (GRCh38, 1-based): chr15:40,200,334-40,200,335, GT replaced by TA. VCF-style: chr15-40200334-GT-TA. GRCh37 (hg19) VCF-style: chr15-40492535-GT-TA.
Other names: short protein forms V498Y.
Identifiers: ClinVar variation 998843 (VCV000998843.10), dbSNP rs2037550680, ClinGen allele CA2171668203.

ClinVar aggregate classification (germline): Uncertain significance. Review status: criteria provided, multiple submitters, no conflicts (2 of 4 stars). 2 submissions from 2 submitters: Uncertain significance (2). Last evaluated 2024-01-28.

Conditions:
Mosaic variegated aneuploidy syndrome 1 (MVA1). Also called: Warburton-Anyane-Yeboa syndrome. Identifiers: Orphanet 1052, MedGen C1850343, MONDO:0009759, OMIM 257300.

Submissions (2):

Labcorp Genetics (formerly Invitae), Labcorp
Classification: Uncertain significance for Mosaic variegated aneuploidy syndrome 1. Last evaluated: 2024-01-28. Review status: criteria provided, single submitter. Criteria: Invitae Variant Classification Sherloc (09022015). Collection method: clinical testing. Allele origin: germline.
Comment: This sequence change replaces valine, which is neutral and non-polar, with tyrosine, which is neutral and polar, at codon 498 of the BUB1B protein (p.Val498Tyr). Information on the frequency of this variant in the gnomAD database is not available, as this variant may be reported differently in the database. This variant has not been reported in the literature in individuals affected with BUB1B-related conditions. ClinVar contains an entry for this variant (Variation ID: 998843). An algorithm developed to predict the effect of missense changes on protein structure and function (PolyPhen-2) suggests that this variant is likely to be tolerated. In summary, the available evidence is currently insufficient to determine the role of this variant in disease. Therefore, it has been classified as a Variant of Uncertain Significance.

GeneDx
Classification: Uncertain significance. Last evaluated: 2022-04-25. Review status: criteria provided, single submitter. Criteria: GeneDx Variant Classification Process June 2021. Collection method: clinical testing. Allele origin: germline. Affected: yes.
Comment: Not observed at significant frequency in large population cohorts (gnomAD); In silico analysis supports that this variant does not alter protein structure/function; Has not been previously published as pathogenic or benign to our knowledge